The following is an entry in ClinVar:

NM_001110556.2(FLNA):c.5173del (p.Arg1725fs)

Gene: FLNA (filamin A; minus strand). Cytogenetic location: Xq28.
Variant type: Deletion.
Coding change: c.5173del on transcript NM_001110556.2 (MANE Select); coding-DNA position 5173, one base deleted (C; older notation c.5173delC).
Protein change: p.Arg1725fs; shifts the reading frame from arginine 1725.
Molecular consequence: frameshift variant.
Genome position (GRCh38, 1-based): chrX:154,354,869, G deleted on the plus strand (C on the coding strand, the reverse complement: FLNA is on the minus strand). VCF-style (leftmost placement, unchanged base first): chrX-154354868-CG-C. GRCh37 (hg19) VCF-style: chrX-153583236-CG-C.
Other names: c.5149del, p.Arg1717fs (NM_001456.4); short protein forms R1717fs, R1725fs.
Identifiers: ClinVar variation 3344393 (VCV003344393.1).
Genomic context (GRCh38, chrX:154,354,868, plus strand): 5'-CCCCCACCCCTCCTCACCGTCACTTGGAAGGGGCTGTTGGGCACGTGCTCGCCACCAAAG[CG>C]CACACAGATGACGTATTTGCCCGGCTGGGGGGCCGTGTAGAAGATGTCGAAAGTGCCGTC-3'

ClinVar aggregate classification (germline): Pathogenic (0 of 4 stars; one submission).

Conditions:
FLNA-related disorder.

Submission:

PreventionGenetics, part of Exact Sciences
Classification: Pathogenic for FLNA-related condition. Last evaluated: 2024-04-19. Review status: no assertion criteria provided. Collection method: clinical testing. Allele origin: germline.
Comment: The FLNA c.5173delC variant is predicted to result in a frameshift and premature protein termination (p.Arg1725Alafs*14). To our knowledge, this variant has not been reported in the literature or in a large population database, indicating this variant is rare. Frameshift variants in FLNA are expected to be pathogenic. This variant is interpreted as pathogenic.